The following is an entry in ClinVar:

ClinVar aggregate classification (germline): Uncertain significance (1 of 4 stars; one submission).

Conditions:
Baller-Gerold syndrome (BGS). Also called: CRANIOSYNOSTOSIS WITH RADIAL DEFECTS. Identifiers: Orphanet 1225, MedGen C0265308, MONDO:0009039, OMIM 218600.

Submission:

Labcorp Genetics (formerly Invitae), Labcorp
Classification: Uncertain significance for Baller-Gerold syndrome. Last evaluated: 2024-12-10. Review status: criteria provided, single submitter. Criteria: Invitae Variant Classification Sherloc (09022015). Collection method: clinical testing. Allele origin: germline.
Comment: This sequence change replaces histidine, which is basic and polar, with proline, which is neutral and non-polar, at codon 1078 of the RECQL4 protein (p.His1078Pro). This variant is not present in population databases (gnomAD no frequency). This variant has not been reported in the literature in individuals affected with RECQL4-related conditions. Invitae Evidence Modeling of protein sequence and biophysical properties (such as structural, functional, and spatial information, amino acid conservation, physicochemical variation, residue mobility, and thermodynamic stability) indicates that this missense variant is expected to disrupt RECQL4 protein function with a positive predictive value of 80%. In summary, the available evidence is currently insufficient to determine the role of this variant in disease. Therefore, it has been classified as a Variant of Uncertain Significance.

NM_004260.4(RECQL4):c.3233A>C (p.His1078Pro)

Gene: RECQL4 (RecQ like helicase 4; minus strand). Cytogenetic location: 8q24.3.
Variant type: single nucleotide variant.
Coding change: c.3233A>C on transcript NM_004260.4 (MANE Select); coding-DNA position 3233, A replaced by C.
Protein change: p.His1078Pro; replaces histidine 1078 with proline.
Molecular consequence: missense variant. On other transcripts: non-coding transcript variant (3).
Genome position (GRCh38, 1-based): chr8:144,512,147, T>G on the plus strand (A>C on the coding strand, the complement: RECQL4 is on the minus strand). VCF-style: chr8-144512147-T-G. GRCh37 (hg19) VCF-style: chr8-145737530-T-G.
Other names: c.2939A>C, p.His980Pro (NM_001413017.1); c.3035A>C, p.His1012Pro (NM_001413018.1); c.3308A>C, p.His1103Pro (NM_001413019.1); c.3137A>C, p.His1046Pro (NM_001413020.1); c.2162A>C, p.His721Pro (NM_001413021.1, NM_001413022.1, NM_001413024.1 and 4 more transcripts); c.2237A>C, p.His746Pro (NM_001413023.1); c.3104A>C, p.His1035Pro (NM_001413025.1); c.2096A>C, p.His699Pro (NM_001413027.1, NM_001413030.1, NM_001413032.1); and 9 more; short protein forms H655P, H711P, H724P, H1012P, H1078P, H1103P, H721P, H961P.
Identifiers: ClinVar variation 3666932 (VCV003666932.2).